The following is an entry in ClinVar:

NM_000152.5(GAA):c.2152G>C (p.Val718Leu)

Gene: GAA (alpha glucosidase; plus strand). Cytogenetic location: 17q25.3.
Variant type: single nucleotide variant.
Coding change: c.2152G>C on transcript NM_000152.5 (MANE Select); coding-DNA position 2152, G replaced by C.
Protein change: p.Val718Leu; replaces valine 718 with leucine.
Molecular consequence: missense variant.
Genome position (GRCh38, 1-based): chr17:80,113,329, G>C. VCF-style: chr17-80113329-G-C. GRCh37 (hg19) VCF-style: chr17-78087128-G-C.
Other names: c.2152G>C, p.Val718Leu (NM_001079803.3, NM_001079804.3, NM_001406741.1 and 1 more transcripts); short protein forms V718L.
Identifiers: ClinVar variation 2069568 (VCV002069568.12), dbSNP rs141017311, ClinGen allele CA401370598.
Genomic context (GRCh38, chr17:80,113,329, plus strand): 5'-GCCCTCACCCTGCGCTACGCACTCCTCCCCCACCTCTACACACTGTTCCACCAGGCCCAC[G>C]TCGCGGGGGAGACCGTGGCCCGGCCCCTCTTCCTGGAGTGAGTGACCTAGGCAGGGGCGG-3'
Protein context (NP_000143.2, residues 708-728): HLYTLFHQAH[Val718Leu]AGETVARPLF

ClinVar aggregate classification (germline): Uncertain significance. Review status: criteria provided, multiple submitters, no conflicts (2 of 4 stars). 2 submissions from 2 submitters: Uncertain significance (2). Last evaluated 2025-05-01.

Conditions:
Glycogen storage disease, type II (IOPD). Also called: Glycogen storage disease type 2; Acid maltase deficiency disease; Aglucosidase alfa; Deficiency of alpha-glucosidase; Deficiency of lysosomal alpha-glucosidase; CARDIOMEGALIA GLYCOGENICA DIFFUSA. Identifiers: Orphanet 365, MedGen C0017921, MONDO:0009290, OMIM 232300.

Submissions (2):

CeGaT Center for Human Genetics Tuebingen
Classification: Uncertain significance. Last evaluated: 2025-05-01. Review status: criteria provided, single submitter. Criteria: CeGaT Center For Human Genetics Tuebingen Variant Classification Criteria Version 2. Collection method: clinical testing. Allele origin: germline. Affected: yes. Observed: 1 variant allele.
Comment: GAA: PM2, BP4

Labcorp Genetics (formerly Invitae), Labcorp
Classification: Uncertain significance for Glycogen storage disease, type II. Last evaluated: 2025-04-23. Review status: criteria provided, single submitter. Criteria: Invitae Variant Classification Sherloc (09022015). Collection method: clinical testing. Allele origin: germline.
Comment: This sequence change replaces valine, which is neutral and non-polar, with leucine, which is neutral and non-polar, at codon 718 of the GAA protein (p.Val718Leu). This variant is not present in population databases (gnomAD no frequency). This variant has not been reported in the literature in individuals affected with GAA-related conditions. ClinVar contains an entry for this variant (Variation ID: 2069568). Invitae Evidence Modeling of protein sequence and biophysical properties (such as structural, functional, and spatial information, amino acid conservation, physicochemical variation, residue mobility, and thermodynamic stability) indicates that this missense variant is not expected to disrupt GAA protein function with a negative predictive value of 95%. In summary, the available evidence is currently insufficient to determine the role of this variant in disease. Therefore, it has been classified as a Variant of Uncertain Significance.